The following is an entry in ClinVar:

ClinVar aggregate classification (germline): Likely benign. Review status: criteria provided, multiple submitters, no conflicts (2 of 4 stars). 3 submissions from 3 submitters: Likely benign (3). Last evaluated 2026-06-01.

Allele frequency attached by ClinVar (database versions not stated): ExAC 0.00032; gnomAD exomes 0.00076.

Submissions (3):

CeGaT Center for Human Genetics Tuebingen
Classification: Likely benign. Last evaluated: 2026-06-01. Review status: criteria provided, single submitter. Criteria: CeGaT Center For Human Genetics Tuebingen Variant Classification Criteria Version 2. Collection method: clinical testing. Allele origin: germline. Affected: yes. Observed: 3 variant alleles.
Comment: CHRNA7: BP4, BP7

Labcorp Genetics (formerly Invitae), Labcorp
Classification: Likely benign. Last evaluated: 2019-12-31. Review status: criteria provided, single submitter. Criteria: Invitae Variant Classification Sherloc (09022015). Collection method: clinical testing. Allele origin: germline.

Breakthrough Genomics
Classification: Likely benign. Review status: criteria provided, single submitter. Criteria: ACMG Guidelines, 2015. Collection method: not provided. Allele origin: germline. Inheritance: Unknown mechanism. Affected: yes.

NM_000746.6(CHRNA7):c.933A>G (p.Thr311=)

Gene: CHRNA7 (cholinergic receptor nicotinic alpha 7 subunit). Cytogenetic location: 15q13.3.
Variant type: single nucleotide variant.
Coding change: c.933A>G on transcript NM_000746.6 (MANE Select); coding-DNA position 933, A replaced by G.
Protein change: p.Thr311=; no amino-acid change (threonine 311 retained).
Molecular consequence: synonymous variant. On other transcripts: non-coding transcript variant (1).
Genome position (GRCh38, 1-based): chr15:32,163,278, A>G. VCF-style: chr15-32163278-A-G. GRCh37 (hg19) VCF-style: chr15-32455479-A-G.
Other names: c.1020A>G, p.Thr340= (NM_001190455.3).
Identifiers: ClinVar variation 782885 (VCV000782885.18), dbSNP rs384470, ClinGen allele CA7454347.